The following is an entry in ClinVar:

ClinVar aggregate classification (germline): Uncertain significance. Review status: criteria provided, multiple submitters, no conflicts (2 of 4 stars). 3 submissions from 3 submitters: Uncertain significance (3). Last evaluated 2025-09-25.

Conditions:
Retinal dystrophy. Also called: Inherited retinal dystrophy. Identifiers: Orphanet 71862, MedGen C0854723, MeSH D058499, MONDO:0019118, HP:0000556.
Inborn genetic diseases. Identifiers: MedGen C0950123, MeSH D030342.
Leber congenital amaurosis 7 (LCA7). Identifiers: Orphanet 65, MedGen C3151192, MONDO:0013449, OMIM 613829.
Cone-rod dystrophy 2 (CORD2). Also called: CONE-ROD RETINAL DYSTROPHY; Cone-rod retinal dystrophy 2. Identifiers: Orphanet 1872, MedGen C3489532, MONDO:0007362, OMIM 120970.

Submissions (3):

Ambry Genetics
Classification: Uncertain significance for Inborn genetic diseases. Last evaluated: 2025-09-25. Review status: criteria provided, single submitter. Criteria: Ambry Variant Classification Scheme 2023. Collection method: clinical testing. Allele origin: germline.

Labcorp Genetics (formerly Invitae), Labcorp
Classification: Uncertain significance for Cone-rod dystrophy 2; Leber congenital amaurosis 7. Last evaluated: 2024-09-23. Review status: criteria provided, single submitter. Criteria: Invitae Variant Classification Sherloc (09022015). Collection method: clinical testing. Allele origin: germline.
Comment: This sequence change replaces valine, which is neutral and non-polar, with leucine, which is neutral and non-polar, at codon 264 of the CRX protein (p.Val264Leu). This variant is not present in population databases (gnomAD no frequency). This variant has not been reported in the literature in individuals affected with CRX-related conditions. ClinVar contains an entry for this variant (Variation ID: 1464640). Invitae Evidence Modeling of protein sequence and biophysical properties (such as structural, functional, and spatial information, amino acid conservation, physicochemical variation, residue mobility, and thermodynamic stability) indicates that this missense variant is not expected to disrupt CRX protein function with a negative predictive value of 80%. In summary, the available evidence is currently insufficient to determine the role of this variant in disease. Therefore, it has been classified as a Variant of Uncertain Significance.

Dept Of Ophthalmology, Nagoya University
Classification: Uncertain significance for Retinal dystrophy. Last evaluated: 2023-10-01. Review status: criteria provided, single submitter. Criteria: Submitter's publication. Collection method: research. Allele origin: germline. Affected: yes.

NM_000554.6(CRX):c.790G>T (p.Val264Leu)

Gene: CRX (cone-rod homeobox; plus strand). Cytogenetic location: 19q13.33.
Variant type: single nucleotide variant.
Coding change: c.790G>T on transcript NM_000554.6 (MANE Select); coding-DNA position 790, G replaced by T.
Protein change: p.Val264Leu; replaces valine 264 with leucine.
Molecular consequence: missense variant.
Genome position (GRCh38, 1-based): chr19:47,839,857, G>T. VCF-style: chr19-47839857-G-T. GRCh37 (hg19) VCF-style: chr19-48343114-G-T.
Other names: c.790G>T (NM_000554.4); short protein forms V264L.
Identifiers: ClinVar variation 1464640 (VCV001464640.10), dbSNP rs138146799, ClinGen allele CA406631797.